The following is an entry in ClinVar:

NM_001378454.1(ALMS1):c.3248_3255del (p.Ala1083fs)

Gene: ALMS1 (ALMS1 centrosome and basal body associated protein; plus strand). Cytogenetic location: 2p13.1.
Variant type: Deletion.
Coding change: c.3248_3255del on transcript NM_001378454.1 (MANE Select); coding-DNA positions 3248 to 3255, 8 bases deleted (CTGACCAG; older notation c.3248_3255delCTGACCAG).
Protein change: p.Ala1083fs; shifts the reading frame from alanine 1083.
Molecular consequence: frameshift variant.
Genome position (GRCh38, 1-based): chr2:73,449,775-73,449,782, CTGACCAG deleted; deleting any 8 consecutive bases within chr2:73,449,769-73,449,782 gives the same sequence; the c. name uses the placement nearest the transcript's 3' end. VCF-style (leftmost placement, unchanged base first): chr2-73449768-GGACCAGCT-G. GRCh37 (hg19) VCF-style: chr2-73676895-GGACCAGCT-G.
Other names: c.3245_3252del (NM_015120.4); c.3251_3258del, p.Ala1084fs (NM_015120.4); short protein forms A1083fs, A1084fs.
Identifiers: ClinVar variation 2203098 (VCV002203098.6), dbSNP rs755944454, ClinGen allele CA1713486.
Genomic context (GRCh38, chr2:73,449,768, plus strand): 5'-CCACAGGTGTTATCAGACAGTCATCTACCTGAAGAGAGTCTGAAAGTTTCAGCCTTCCCT[GGACCAGCT>G]GACCAGATGACTGACACACCAGCAGTACCGTCTACTTTCTACTCACAAAGAGAGAAGCCT-3'

ClinVar aggregate classification (germline): Pathogenic. Review status: criteria provided, multiple submitters, no conflicts (2 of 4 stars). 3 submissions from 3 submitters: Pathogenic (3). Last evaluated 2024-07-03.

Conditions:
Alstrom syndrome (ALMS). Identifiers: Orphanet 64, MedGen C0268425, MONDO:0008763, OMIM 203800.

Submissions (3):

GeneDx
Classification: Pathogenic. Last evaluated: 2024-07-03. Review status: criteria provided, single submitter. Criteria: GeneDx Variant Classification Process June 2021. Collection method: clinical testing. Allele origin: germline. Affected: yes.
Comment: Observed in the presence of a second ALMS1 variant in a patient with Alstrom syndrome in published literature (PMID: 24690487); Frameshift variant predicted to result in protein truncation or nonsense mediated decay in a gene for which loss of function is a known mechanism of disease; Not observed at significant frequency in large population cohorts (gnomAD); This variant is associated with the following publications: (PMID: 17594715, 24690487)

Revvity Omics, Revvity
Classification: Pathogenic for Alstrom syndrome. Last evaluated: 2024-02-28. Review status: criteria provided, single submitter. Criteria: ACMG Guidelines, 2015. Collection method: clinical testing. Allele origin: germline.

Labcorp Genetics (formerly Invitae), Labcorp
Classification: Pathogenic for Alstrom syndrome. Last evaluated: 2022-01-02. Review status: criteria provided, single submitter. Criteria: Invitae Variant Classification Sherloc (09022015). Collection method: clinical testing. Allele origin: germline.
Comment: This premature translational stop signal has been observed in individual(s) with clinical features of Alstrom syndrome (PMID: 24690487). This variant is present in population databases (rs755944454, gnomAD 0.0009%). This sequence change creates a premature translational stop signal (p.Ala1084Aspfs*3) in the ALMS1 gene. It is expected to result in an absent or disrupted protein product. Loss-of-function variants in ALMS1 are known to be pathogenic (PMID: 17594715). For these reasons, this variant has been classified as Pathogenic.

Literature cited by the submitters: PubMed 24690487 (cited by Labcorp Genetics (formerly Invitae), Labcorp); PubMed 17594715 (cited by Labcorp Genetics (formerly Invitae), Labcorp).